The following is an entry in ClinVar:

NM_007217.4(PDCD10):c.214G>C (p.Val72Leu)

Gene: PDCD10 (programmed cell death 10; minus strand). Cytogenetic location: 3q26.1.
Variant type: single nucleotide variant.
Coding change: c.214G>C on transcript NM_007217.4 (MANE Select); coding-DNA position 214, G replaced by C.
Protein change: p.Val72Leu; replaces valine 72 with leucine.
Molecular consequence: missense variant.
Genome position (GRCh38, 1-based): chr3:167,697,063, C>G on the plus strand (G>C on the coding strand, the complement: PDCD10 is on the minus strand). VCF-style: chr3-167697063-C-G. GRCh37 (hg19) VCF-style: chr3-167414851-C-G.
Other names: c.214G>C, p.Val72Leu (NM_145859.2, NM_145860.2); short protein forms V72L.
Identifiers: ClinVar variation 344109 (VCV000344109.16), dbSNP rs562763010, ClinGen allele CA2694630.
Genomic context (GRCh38, chr3:167,697,063, plus strand): 5'-CGTTACCTTCTACATCATCAGCTGCCATACGAAGAAGGGACTCCGTGAAGTTAACTTCCA[C>G]GCTTTTTTTCTCTAAAATTTTCATAATGATGTCTTGTGTGAGACCTGGATTTTCTTTTTC-3'
Protein context (NP_009148.2, residues 62-82): IIMKILEKKS[Val72Leu]EVNFTESLLR

ClinVar aggregate classification (germline): Benign/Likely benign. Review status: criteria provided, multiple submitters, no conflicts (2 of 4 stars). 4 submissions from 4 submitters: Benign (2); Likely benign (2). Last evaluated 2026-01-02.

Conditions:
Inborn genetic diseases. Identifiers: MedGen C0950123, MeSH D030342.
Cerebral cavernous malformation 3. Also called: Familial Cerebral Cavernous Malformation 3. Identifiers: Orphanet 221061, MedGen C1864040, MONDO:0011305, OMIM 603285.

Allele frequency attached by ClinVar (database versions not stated): TOPMed 0.00004; 1000 Genomes Project 30x 0.00328; 1000 Genomes Project 0.00339.
gnomAD v4.1: 1,180 of 1,611,874 alleles (0.073%); highest among the groups gnomAD compares: South Asian, 1.2%; 17 homozygotes.

Submissions (4):

Labcorp Genetics (formerly Invitae), Labcorp
Classification: Benign for Cerebral cavernous malformation 3. Last evaluated: 2026-01-02. Review status: criteria provided, single submitter. Criteria: Invitae Variant Classification Sherloc (09022015). Collection method: clinical testing. Allele origin: germline.

Blueprint Genetics
Classification: Likely benign. Last evaluated: 2024-11-13. Review status: criteria provided, single submitter. Criteria: ACMG Guidelines, 2015. Collection method: clinical testing. Allele origin: germline.

Ambry Genetics
Classification: Likely benign for Inborn genetic diseases. Last evaluated: 2021-10-07. Review status: criteria provided, single submitter. Criteria: Ambry Variant Classification Scheme 2023. Collection method: clinical testing. Allele origin: germline.

Illumina Laboratory Services, Illumina
Classification: Benign for Cerebral cavernous malformation 3. Last evaluated: 2018-01-13. Review status: criteria provided, single submitter. Criteria: ICSL Variant Classification Criteria 13 December 2019. Collection method: clinical testing. Allele origin: germline.
Comment: This variant was observed in the ICSL laboratory as part of a predisposition screen in an ostensibly healthy population. It had not been previously curated by ICSL or reported in the Human Gene Mutation Database (HGMD: prior to June 1st, 2018), and was therefore a candidate for classification through an automated scoring system. Utilizing variant allele frequency, disease prevalence and penetrance estimates, and inheritance mode, an automated score was calculated to assess if this variant is too frequent to cause the disease. Based on the score and internal cut-off values, a variant classified as benign is not then subjected to further curation. The score for this variant resulted in a classification of benign for this disease.